The following is an entry in ClinVar:

ClinVar aggregate classification (germline): Uncertain significance. Review status: criteria provided, multiple submitters, no conflicts (2 of 4 stars). 3 submissions from 3 submitters: Uncertain significance (3). Last evaluated 2025-08-04.

Conditions:
Hereditary cancer-predisposing syndrome. Also called: Neoplastic Syndromes, Hereditary; Tumor predisposition; Hereditary Cancer Syndrome; Hereditary neoplastic syndrome. Identifiers: Orphanet 140162, MedGen C0027672, MeSH D009386, MONDO:0015356.
Familial cancer of breast. Also called: BREAST CANCER, FAMILIAL; Hereditary breast cancer; hereditary breast carcinoma. Identifiers: Orphanet 227535, MedGen C0346153, MONDO:0016419, OMIM 114480. Disease mechanism: loss of function.

Allele frequency attached by ClinVar (database versions not stated): gnomAD exomes below 0.00001.
gnomAD v4.1: 1 of 1,608,194 alleles (0.000062%); highest among the groups gnomAD compares: Non-Finnish European, 0.000085%; no homozygotes.

Submissions (3):

Color Diagnostics, LLC DBA Color Health
Classification: Uncertain significance for Hereditary cancer-predisposing syndrome. Last evaluated: 2025-08-04. Review status: criteria provided, single submitter. Criteria: ACMG Guidelines, 2015. Collection method: clinical testing. Allele origin: germline.
Comment: This missense variant replaces lysine with threonine at codon 563 of the PALB2 protein. Computational prediction suggests that this variant may not impact protein structure and function. To our knowledge, functional studies have not been reported for this variant. This variant has not been reported in individuals affected with PALB2-related disorders in the literature. This variant has been identified in 1/242026 chromosomes in the general population by the Genome Aggregation Database (gnomAD). The available evidence is insufficient to determine the role of this variant in disease conclusively. Therefore, this variant is classified as a Variant of Uncertain Significance.

Ambry Genetics
Classification: Uncertain significance for Hereditary cancer-predisposing syndrome. Last evaluated: 2019-08-12. Review status: criteria provided, single submitter. Criteria: Ambry Variant Classification Scheme 2023. Collection method: clinical testing. Allele origin: germline.
Comment: The p.K563T variant (also known as c.1688A>C), located in coding exon 5 of the PALB2 gene, results from an A to C substitution at nucleotide position 1688. The lysine at codon 563 is replaced by threonine, an amino acid with similar properties. This amino acid position is not well conserved in available vertebrate species. In addition, this alteration is predicted to be tolerated by in silico analysis. Since supporting evidence is limited at this time, the clinical significance of this alteration remains unclear.

Labcorp Genetics (formerly Invitae), Labcorp
Classification: Uncertain significance for Familial cancer of breast. Last evaluated: 2019-02-25. Review status: criteria provided, single submitter. Criteria: Invitae Variant Classification Sherloc (09022015). Collection method: clinical testing. Allele origin: germline.
Comment: This variant has not been reported in the literature in individuals with PALB2-related conditions. Algorithms developed to predict the effect of missense changes on protein structure and function are either unavailable or do not agree on the potential impact of this missense change (SIFT: "Deleterious"; PolyPhen-2: "Possibly Damaging"; Align-GVGD: "Class C0"). In summary, the available evidence is currently insufficient to determine the role of this variant in disease. Therefore, it has been classified as a Variant of Uncertain Significance. This variant is not present in population databases (ExAC no frequency). This sequence change replaces lysine with threonine at codon 563 of the PALB2 protein (p.Lys563Thr). The lysine residue is moderately conserved and there is a moderate physicochemical difference between lysine and threonine.

NM_024675.4(PALB2):c.1688A>C (p.Lys563Thr)

Gene: PALB2 (partner and localizer of BRCA2; minus strand). Cytogenetic location: 16p12.2.
Variant type: single nucleotide variant.
Coding change: c.1688A>C on transcript NM_024675.4 (MANE Select); coding-DNA position 1688, A replaced by C.
Protein change: p.Lys563Thr; replaces lysine 563 with threonine.
Molecular consequence: missense variant.
Genome position (GRCh38, 1-based): chr16:23,630,466, T>G on the plus strand (A>C on the coding strand, the complement: PALB2 is on the minus strand). VCF-style: chr16-23630466-T-G. GRCh37 (hg19) VCF-style: chr16-23641787-T-G.
Other names: short protein forms K563T.
Identifiers: ClinVar variation 819821 (VCV000819821.15), dbSNP rs1396029242, ClinGen allele CA395128484.